The following is an entry in ClinVar:

ClinVar aggregate classification (germline): Benign (1 of 4 stars; one submission).

Conditions:
Holt-Oram syndrome (HOS). Also called: Ventriculo-radial syndrome; Cardiac-limb syndrome; Heart-hand syndrome, type 1; TBX5-Related Holt-Oram Syndrome. Identifiers: Orphanet 392, MedGen C0265264, MONDO:0007732, OMIM 142900.

Allele frequency attached by ClinVar (database versions not stated): 1000 Genomes Project 0.00140; gnomAD 0.00200 and 0.00220; TOPMed 0.00214; gnomAD exomes 0.00047; ExAC 0.00069; 1000 Genomes Project 30x 0.00109.
gnomAD v4.1: 549 of 1,259,124 alleles (0.044%); highest among the groups gnomAD compares: African/African-American, 0.66%; 2 homozygotes.

Submission:

Illumina Laboratory Services, Illumina
Classification: Benign for Holt-Oram syndrome. Last evaluated: 2018-01-12. Review status: criteria provided, single submitter. Criteria: ICSL Variant Classification Criteria 13 December 2019. Collection method: clinical testing. Allele origin: germline.
Comment: This variant was observed in the ICSL laboratory as part of a predisposition screen in an ostensibly healthy population. It had not been previously curated by ICSL or reported in the Human Gene Mutation Database (HGMD: prior to June 1st, 2018), and was therefore a candidate for classification through an automated scoring system. Utilizing variant allele frequency, disease prevalence and penetrance estimates, and inheritance mode, an automated score was calculated to assess if this variant is too frequent to cause the disease. Based on the score and internal cut-off values, a variant classified as benign is not then subjected to further curation. The score for this variant resulted in a classification of benign for this disease.

NM_181486.4(TBX5):c.*121A>G

Gene: TBX5 (T-box transcription factor 5; minus strand). Cytogenetic location: 12q24.21.
Variant type: single nucleotide variant.
Coding change: c.*121A>G on transcript NM_181486.4 (MANE Select); 121 bases downstream of the stop codon, A replaced by G.
Molecular consequence: 3 prime UTR variant.
Genome position (GRCh38, 1-based): chr12:114,355,411, T>C on the plus strand (A>G on the coding strand, the complement: TBX5 is on the minus strand). VCF-style: chr12-114355411-T-C. GRCh37 (hg19) VCF-style: chr12-114793216-T-C.
Other names: c.*121A>G (NM_000192.3, NM_080717.4).
Identifiers: ClinVar variation 881692 (VCV000881692.4), dbSNP rs112051831, ClinGen allele CA6809287.